The following is an entry in ClinVar:

NM_000260.4(MYO7A):c.4114G>A (p.Val1372Met)

Gene: MYO7A (myosin VIIA; plus strand). Cytogenetic location: 11q13.5.
Variant type: single nucleotide variant.
Coding change: c.4114G>A on transcript NM_000260.4 (MANE Select); coding-DNA position 4114, G replaced by A.
Protein change: p.Val1372Met; replaces valine 1372 with methionine.
Molecular consequence: missense variant.
Genome position (GRCh38, 1-based): chr11:77,192,240, G>A. VCF-style: chr11-77192240-G-A. GRCh37 (hg19) VCF-style: chr11-76903285-G-A.
Other names: c.4114G>A, p.Val1372Met (NM_001127180.2); c.4081G>A, p.Val1361Met (NM_001369365.1); short protein forms V1361M, V1372M.
Identifiers: ClinVar variation 4688573 (VCV004688573.1).

ClinVar aggregate classification (germline): Uncertain significance (1 of 4 stars; one submission).

Submission:

Women's Health and Genetics/Laboratory Corporation of America, LabCorp
Classification: Uncertain significance. Last evaluated: 2025-12-04. Review status: criteria provided, single submitter. Criteria: LabCorp Variant Classification Summary - May 2015. Collection method: clinical testing. Allele origin: germline.
Comment: Variant summary: MYO7A c.4114G>A (p.Val1372Met) results in a conservative amino acid change in the encoded protein sequence. Algorithms developed to predict the effect of missense changes on protein structure and function are either unavailable or do not agree on the potential impact of this missense change. The variant was absent in 249226 control chromosomes (gnomAD). c.4114G>A has been observed in at least one individual affected with Usher Syndrome (Galbis-Martnez_2021, Testa_2024). These data indicate that the variant may be associated with disease. To our knowledge, no experimental evidence demonstrating an impact on protein function has been reported. The following publications have been ascertained in the context of this evaluation (PMID: 33576163, 38884554). No submitters have cited clinical-significance assessments for this variant to ClinVar. Based on the evidence outlined above, the variant was classified as VUS-possibly pathogenic.

Literature cited by the submitters: PubMed 33576163; PubMed 38884554.